The following is an entry in ClinVar:

ClinVar aggregate classification (germline): Uncertain significance (1 of 4 stars; one submission).

Conditions:
3-methylglutaconic aciduria, type VIIB (MGCA7B). Also called: CLPB Deficiency; 3-methylglutaconic aciduria, type VII, with cataracts, neurologic involvement and neutropenia; 3-methylglutaconic aciduria with cataracts, neurologic involvement and neutropenia. Identifiers: Orphanet 445038, MedGen C5676893, MONDO:0014561, OMIM 616271.

Allele frequency attached by ClinVar (database versions not stated): gnomAD 0.00002; TOPMed 0.00002.
gnomAD v4.1: 60 of 1,614,026 alleles (0.0037%); highest among the groups gnomAD compares: Middle Eastern, 0.033%; no homozygotes.

Submission:

Labcorp Genetics (formerly Invitae), Labcorp
Classification: Uncertain significance for 3-methylglutaconic aciduria, type VIIB. Last evaluated: 2025-11-04. Review status: criteria provided, single submitter. Criteria: Invitae Variant Classification Sherloc (09022015). Collection method: clinical testing. Allele origin: germline.
Comment: This sequence change replaces lysine, which is basic and polar, with arginine, which is basic and polar, at codon 677 of the CLPB protein (p.Lys677Arg). This variant is present in population databases (no rsID available, gnomAD 0.003%). This variant has not been reported in the literature in individuals affected with CLPB-related conditions. ClinVar contains an entry for this variant (Variation ID: 2731989). An algorithm developed to predict the effect of missense changes on protein structure and function (PolyPhen-2) suggests that this variant is likely to be tolerated. In summary, the available evidence is currently insufficient to determine the role of this variant in disease. Therefore, it has been classified as a Variant of Uncertain Significance.

NM_001258392.3(CLPB):c.1940A>G (p.Lys647Arg)

Gene: CLPB (ClpB family mitochondrial disaggregase; minus strand). Cytogenetic location: 11q13.4.
Variant type: single nucleotide variant.
Coding change: c.1940A>G on transcript NM_001258392.3 (MANE Select); coding-DNA position 1940, A replaced by G.
Protein change: p.Lys647Arg; replaces lysine 647 with arginine.
Molecular consequence: missense variant.
Genome position (GRCh38, 1-based): chr11:72,293,461, T>C on the plus strand (A>G on the coding strand, the complement: CLPB is on the minus strand). VCF-style: chr11-72293461-T-C. GRCh37 (hg19) VCF-style: chr11-72004505-T-C.
Other names: c.1853A>G, p.Lys618Arg (NM_001258393.3); c.1895A>G, p.Lys632Arg (NM_001258394.3); c.2030A>G, p.Lys677Arg (NM_030813.6); short protein forms K647R, K677R, K618R, K632R.
Identifiers: ClinVar variation 2731989 (VCV002731989.3), dbSNP rs1300806807, ClinGen allele CA381723440.